The following is an entry in ClinVar:

ClinVar aggregate classification (germline): Conflicting classifications of pathogenicity. Review status: criteria provided, conflicting classifications (1 of 4 stars). 3 submissions from 3 submitters: Uncertain significance (2); Likely benign (1). Last evaluated 2025-08-07.

Conditions:
Early-infantile DEE. Also called: Early infantile epileptic encephalopathy; Ohtahara syndrome; Early infantile epileptic encephalopathy with suppression bursts. Identifiers: Orphanet 1934, MedGen C0393706, MONDO:0800491.
Inborn genetic diseases. Identifiers: MedGen C0950123, MeSH D030342.

Allele frequency attached by ClinVar (database versions not stated): TOPMed 0.00004; gnomAD 0.00001; gnomAD exomes 0.00001.
gnomAD v4.1: 9 of 1,353,788 alleles (0.00066%); highest among the groups gnomAD compares: Admixed American, 0.021%; no homozygotes.

Submissions (3):

Labcorp Genetics (formerly Invitae), Labcorp
Classification: Uncertain significance for Early-infantile DEE. Last evaluated: 2025-08-07. Review status: criteria provided, single submitter. Criteria: Invitae Variant Classification Sherloc (09022015). Collection method: clinical testing. Allele origin: germline.
Comment: This sequence change replaces proline, which is neutral and non-polar, with arginine, which is basic and polar, at codon 7 of the HCN1 protein (p.Pro7Arg). This variant is present in population databases (no rsID available, gnomAD 0.03%). This variant has not been reported in the literature in individuals affected with HCN1-related conditions. ClinVar contains an entry for this variant (Variation ID: 2047090). Invitae Evidence Modeling of protein sequence and biophysical properties (such as structural, functional, and spatial information, amino acid conservation, physicochemical variation, residue mobility, and thermodynamic stability) indicates that this missense variant is not expected to disrupt HCN1 protein function with a negative predictive value of 95%. In summary, the available evidence is currently insufficient to determine the role of this variant in disease. Therefore, it has been classified as a Variant of Uncertain Significance.

Dasa
Classification: Uncertain significance. Last evaluated: 2025-06-12. Review status: criteria provided, single submitter. Criteria: DASA Assertion Criteria. Collection method: clinical testing. Allele origin: germline.
Comment: NM_021072.4(HCN1):c.20C>G (p.Pro7Arg) is a missense variant that results in the substitution of proline with arginine. This variant is rare in population databases. Computational prediction algorithms are consistent with a benign effect. The currently available literature and clinical evidence are not sufficient to establish a definitive association between this variant and the reported condition. Therefore, this variant is classified as a variant of uncertain significance.

Ambry Genetics
Classification: Likely benign for Inborn genetic diseases. Last evaluated: 2022-10-12. Review status: criteria provided, single submitter. Criteria: Ambry Variant Classification Scheme 2023. Collection method: clinical testing. Allele origin: germline.

NM_021072.4(HCN1):c.20C>G (p.Pro7Arg)

Gene: HCN1 (hyperpolarization activated cyclic nucleotide gated potassium channel 1; minus strand). Cytogenetic location: 5p12.
Variant type: single nucleotide variant.
Coding change: c.20C>G on transcript NM_021072.4 (MANE Select); coding-DNA position 20, C replaced by G.
Protein change: p.Pro7Arg; replaces proline 7 with arginine.
Molecular consequence: missense variant.
Genome position (GRCh38, 1-based): chr5:45,696,074, G>C on the plus strand (C>G on the coding strand, the complement: HCN1 is on the minus strand). VCF-style: chr5-45696074-G-C. GRCh37 (hg19) VCF-style: chr5-45696176-G-C.
Other names: c.20C>G (NM_021072.3); short protein forms P7R.
Identifiers: ClinVar variation 2047090 (VCV002047090.7), dbSNP rs1156299203, ClinGen allele CA359706921.